The following is an entry in ClinVar:

NM_000038.6(APC):c.4491A>G (p.Pro1497=)

Gene: APC (APC regulator of Wnt signaling pathway; plus strand). Cytogenetic location: 5q22.2.
Variant type: single nucleotide variant.
Coding change: c.4491A>G on transcript NM_000038.6 (MANE Select); coding-DNA position 4491, A replaced by G.
Protein change: p.Pro1497=; no amino-acid change (proline 1497 retained).
Molecular consequence: synonymous variant.
Genome position (GRCh38, 1-based): chr5:112,840,085, A>G. VCF-style: chr5-112840085-A-G. GRCh37 (hg19) VCF-style: chr5-112175782-A-G.
Other names: c.4491A>G, p.Pro1497= (NM_001127510.3, NM_001354895.2); c.4437A>G, p.Pro1479= (NM_001127511.3); c.4545A>G, p.Pro1515= (NM_001354896.2); c.4521A>G, p.Pro1507= (NM_001354897.2); c.4416A>G, p.Pro1472= (NM_001354898.2); c.4407A>G, p.Pro1469= (NM_001354899.2); c.4368A>G, p.Pro1456= (NM_001354900.2); c.4314A>G, p.Pro1438= (NM_001354901.2); and 5 more.
Identifiers: ClinVar variation 469968 (VCV000469968.16), dbSNP rs904213754, ClinGen allele CA125167786.

ClinVar aggregate classification (germline): Benign/Likely benign. Review status: criteria provided, multiple submitters, no conflicts (2 of 4 stars). 6 submissions from 6 submitters: Benign (1); Likely benign (5). Last evaluated 2025-12-30.

Conditions:
Classic or attenuated familial adenomatous polyposis. Identifiers: MedGen CN372698, MONDO:0021057.
APC-related disorder. Also called: APC-related condition.
Hereditary cancer-predisposing syndrome. Also called: Tumor predisposition; Hereditary neoplastic syndrome; Neoplastic Syndromes, Hereditary; Hereditary Cancer Syndrome. Identifiers: Orphanet 140162, MedGen C0027672, MeSH D009386, MONDO:0015356.
Familial adenomatous polyposis 1 (FAP1). Also called: POLYPOSIS, ADENOMATOUS INTESTINAL; FAMILIAL ADENOMATOUS POLYPOSIS 1, ATTENUATED. Identifiers: MedGen C2713442, MONDO:0021056, OMIM 175100. Disease mechanism: loss of function.

Allele frequency attached by ClinVar (database versions not stated): TOPMed 0.00001.
gnomAD v4.1: 3 of 1,614,210 alleles (0.00019%); highest among the groups gnomAD compares: South Asian, 0.0022%; no homozygotes.

Submissions (6):

PreventionGenetics, part of Exact Sciences
Classification: Likely benign for APC-related condition. Last evaluated: 2025-12-30. Review status: criteria provided, single submitter. Criteria: ACMG Guidelines, 2015. Collection method: clinical testing. Allele origin: germline.
Comment: This variant is classified as likely benign based on ACMG/AMP sequence variant interpretation guidelines (Richards et al. 2015 PMID: 25741868, with internal and published modifications).

Labcorp Genetics (formerly Invitae), Labcorp
Classification: Likely benign for Familial adenomatous polyposis 1. Last evaluated: 2025-10-06. Review status: criteria provided, single submitter. Criteria: Invitae Variant Classification Sherloc (09022015). Collection method: clinical testing. Allele origin: germline.

Myriad Genetics, Inc.
Classification: Benign for Familial adenomatous polyposis 1. Last evaluated: 2024-03-27. Review status: criteria provided, single submitter. Criteria: Myriad Autosomal Dominant, Autosomal Recessive and X-Linked Classification Criteria (2023). Collection method: clinical testing. Allele origin: unknown.
Comment: This variant is considered benign. This variant is a silent/synonymous amino acid change and it is not expected to impact splicing.

All of Us Research Program, National Institutes of Health
Classification: Likely benign for Classic or attenuated familial adenomatous polyposis. Last evaluated: 2023-11-28. Review status: criteria provided, single submitter. Criteria: ACMG Guidelines, 2015. Collection method: clinical testing. Allele origin: germline. Inheritance: Autosomal dominant inheritance. Observed: 1 variant allele, 1 heterozygote.
Comment: This study involves interpretation of variants in research participants for the purpose of population health screening. Participant phenotype was not available at the time of variant classification. Additional details can be found in publication PMID: 35346344, PMCID: PMC8962531

Ambry Genetics
Classification: Likely benign for Hereditary cancer-predisposing syndrome. Last evaluated: 2020-01-17. Review status: criteria provided, single submitter. Criteria: Ambry Variant Classification Scheme 2023. Collection method: clinical testing. Allele origin: germline.

Color Diagnostics, LLC DBA Color Health
Classification: Likely benign for Hereditary cancer-predisposing syndrome. Last evaluated: 2016-11-10. Review status: criteria provided, single submitter. Criteria: ACMG Guidelines, 2015. Collection method: clinical testing. Allele origin: germline.